The following is an entry in ClinVar:

ClinVar aggregate classification (germline): Uncertain significance. Review status: criteria provided, multiple submitters, no conflicts (2 of 4 stars). 2 submissions from 2 submitters: Uncertain significance (2). Last evaluated 2022-07-26.

Conditions:
Sulfite oxidase deficiency due to molybdenum cofactor deficiency type A. Also called: Molybdenum cofactor deficiency, complementation group A; Molybdenum Cofactor Deficiency A. Identifiers: Orphanet 308386, Orphanet 833, MedGen C1854988, MONDO:0009643, OMIM 252150.
Inborn genetic diseases. Identifiers: MedGen C0950123, MeSH D030342.

Allele frequency attached by ClinVar (database versions not stated): gnomAD exomes below 0.00001; TOPMed below 0.00001.
gnomAD v4.1: 6 of 1,538,924 alleles (0.00039%); highest among the groups gnomAD compares: Admixed American, 0.0057%; no homozygotes.

Submissions (2):

Labcorp Genetics (formerly Invitae), Labcorp
Classification: Uncertain significance for Sulfite oxidase deficiency due to molybdenum cofactor deficiency type A. Last evaluated: 2022-07-26. Review status: criteria provided, single submitter. Criteria: Invitae Variant Classification Sherloc (09022015). Collection method: clinical testing. Allele origin: germline.
Comment: This sequence change falls in intron 1 of the MOCS1 gene. It does not directly change the encoded amino acid sequence of the MOCS1 protein. It affects a nucleotide within the consensus splice site. The frequency data for this variant in the population databases is considered unreliable, as metrics indicate poor data quality at this position in the gnomAD database. This variant has not been reported in the literature in individuals affected with MOCS1-related conditions. Variants that disrupt the consensus splice site are a relatively common cause of aberrant splicing (PMID: 17576681, 9536098). Algorithms developed to predict the effect of sequence changes on RNA splicing suggest that this variant is not likely to affect RNA splicing. In summary, the available evidence is currently insufficient to determine the role of this variant in disease. Therefore, it has been classified as a Variant of Uncertain Significance.

Ambry Genetics
Classification: Uncertain significance for Inborn genetic diseases. Last evaluated: 2021-07-15. Review status: criteria provided, single submitter. Criteria: Ambry Variant Classification Scheme 2023. Collection method: clinical testing. Allele origin: germline.
Comment: The c.123+6C>G intronic alteration consists of a C to G substitution nucleotides after coding exon 1 in the MOCS1 gene. Based on insufficient or conflicting evidence, the clinical significance of this alteration remains unclear.

Literature cited by the submitters: PubMed 17576681 (cited by Labcorp Genetics (formerly Invitae), Labcorp); PubMed 9536098 (cited by Labcorp Genetics (formerly Invitae), Labcorp).

NM_001358530.2(MOCS1):c.123+6C>G

Gene: MOCS1 (molybdenum cofactor synthesis 1; minus strand). Cytogenetic location: 6p21.2.
Variant type: single nucleotide variant.
Coding change: c.123+6C>G on transcript NM_001358530.2 (MANE Select); 6 bases into the intron after coding-DNA position 123, C replaced by G.
Molecular consequence: intron variant.
Genome position (GRCh38, 1-based): chr6:39,934,289, G>C on the plus strand (C>G on the coding strand, the complement: MOCS1 is on the minus strand). VCF-style: chr6-39934289-G-C. GRCh37 (hg19) VCF-style: chr6-39902028-G-C.
Other names: c.-12+6C>G (NM_001358531.2, NM_001358533.2); c.123+6C>G (NM_001358529.2, NM_001075098.4, NM_001075098.3).
Identifiers: ClinVar variation 2232067 (VCV002232067.5), dbSNP rs1315567427, ClinGen allele CA566709458.